The following is an entry in ClinVar:

NM_002972.4(SBF1):c.1682G>A (p.Arg561Gln)

Gene: SBF1 (SET binding factor 1; minus strand). Cytogenetic location: 22q13.33.
Variant type: single nucleotide variant.
Coding change: c.1682G>A on transcript NM_002972.4 (MANE Select); coding-DNA position 1682, G replaced by A.
Protein change: p.Arg561Gln; replaces arginine 561 with glutamine.
Molecular consequence: missense variant.
Genome position (GRCh38, 1-based): chr22:50,464,396, C>T on the plus strand (G>A on the coding strand, the complement: SBF1 is on the minus strand). VCF-style: chr22-50464396-C-T. GRCh37 (hg19) VCF-style: chr22-50902825-C-T.
Other names: c.1685G>A, p.Arg562Gln (NM_001365819.1); short protein forms R561Q, R562Q.
Identifiers: ClinVar variation 252612 (VCV000252612.8), dbSNP rs200821257, ClinGen allele CA10317562.
Genomic context (GRCh38, chr22:50,464,396, plus strand): 5'-GCCTCAAGCATTTTCCCCTCAAACACGTAGGAGATGCAGTTGCGCACAACCTCCAGCCGC[C>T]GGGCGCTGTTGACATGCAGCCCACTGCACCGCTCCAGTATGGCAGCTGCGGGGACAGAAT-3'
Protein context (NP_002963.2, residues 551-571): RCSGLHVNSA[Arg561Gln]RLEVVRNCIS

ClinVar aggregate classification (germline): Uncertain significance. Review status: criteria provided, multiple submitters, no conflicts (2 of 4 stars). 3 submissions from 3 submitters: Uncertain significance (3). Last evaluated 2024-09-03.

Allele frequency attached by ClinVar (database versions not stated): gnomAD exomes 0.00003 and 0.00004; ExAC 0.00004; gnomAD 0.00004 and 0.00005; TOPMed 0.00005; ESP Exome Variant Server 0.00008.

Submissions (3):

Ambry Genetics
Classification: Uncertain significance. Last evaluated: 2024-09-03. Review status: criteria provided, single submitter. Criteria: Ambry Variant Classification Scheme 2023. Collection method: clinical testing. Allele origin: germline.

Labcorp Genetics (formerly Invitae), Labcorp
Classification: Uncertain significance. Last evaluated: 2021-09-24. Review status: criteria provided, single submitter. Criteria: Invitae Variant Classification Sherloc (09022015). Collection method: clinical testing. Allele origin: germline.
Comment: This sequence change replaces arginine with glutamine at codon 561 of the SBF1 protein (p.Arg561Gln). The arginine residue is highly conserved and there is a small physicochemical difference between arginine and glutamine. This variant is present in population databases (rs200821257, ExAC 0.008%). This variant has not been reported in the literature in individuals with SBF1-related conditions. ClinVar contains an entry for this variant (Variation ID: 252612). Algorithms developed to predict the effect of missense changes on protein structure and function are either unavailable or do not agree on the potential impact of this missense change (SIFT: "Deleterious"; PolyPhen-2: "Probably Damaging"; Align-GVGD: "Class C0"). In summary, the available evidence is currently insufficient to determine the role of this variant in disease. Therefore, it has been classified as a Variant of Uncertain Significance.

Genomic Diagnostic Laboratory, Division of Genomic Diagnostics, Children's Hospital of Philadelphia
Classification: Uncertain significance. Last evaluated: 2015-07-27. Review status: criteria provided, single submitter. Criteria: DGD Variant Analysis Guidelines. Collection method: clinical testing. Allele origin: unknown.